The following is an entry in ClinVar:

NM_033026.6(PCLO):c.5866A>G (p.Ile1956Val)

Gene: PCLO (piccolo presynaptic cytomatrix protein; minus strand). Cytogenetic location: 7q21.11.
Variant type: single nucleotide variant.
Coding change: c.5866A>G on transcript NM_033026.6 (MANE Select); coding-DNA position 5866, A replaced by G.
Protein change: p.Ile1956Val; replaces isoleucine 1956 with valine.
Molecular consequence: missense variant.
Genome position (GRCh38, 1-based): chr7:82,955,087, T>C on the plus strand (A>G on the coding strand, the complement: PCLO is on the minus strand). VCF-style: chr7-82955087-T-C. GRCh37 (hg19) VCF-style: chr7-82584403-T-C.
Other names: c.5866A>G, p.Ile1956Val (NM_014510.3); short protein forms I1956V.
Identifiers: ClinVar variation 3632222 (VCV003632222.2).

ClinVar aggregate classification (germline): Uncertain significance (1 of 4 stars; one submission).

gnomAD v4.1: 1 of 1,613,838 alleles (0.000062%); highest among the groups gnomAD compares: Admixed American, 0.0017%; no homozygotes.

Submission:

Labcorp Genetics (formerly Invitae), Labcorp
Classification: Uncertain significance. Last evaluated: 2024-07-12. Review status: criteria provided, single submitter. Criteria: Invitae Variant Classification Sherloc (09022015). Collection method: clinical testing. Allele origin: germline.
Comment: This sequence change replaces isoleucine, which is neutral and non-polar, with valine, which is neutral and non-polar, at codon 1956 of the PCLO protein (p.Ile1956Val). This variant is present in population databases (rs767520525, gnomAD 0.003%). This variant has not been reported in the literature in individuals affected with PCLO-related conditions. Experimental studies and prediction algorithms are not available or were not evaluated, and the functional significance of this variant is currently unknown. In summary, the available evidence is currently insufficient to determine the role of this variant in disease. Therefore, it has been classified as a Variant of Uncertain Significance.